The following is an entry in ClinVar:

ClinVar aggregate classification (germline): Likely benign (1 of 4 stars; one submission).

Allele frequency attached by ClinVar (database versions not stated): gnomAD exomes below 0.00001.

Submission:

GeneDx
Classification: Likely benign. Last evaluated: 2023-11-28. Review status: criteria provided, single submitter. Criteria: GeneDx Variant Classification Process June 2021. Collection method: clinical testing. Allele origin: germline.
Comment: See Variant Classification Assertion Criteria.

NM_000937.5(POLR2A):c.1984C>T (p.His662Tyr)

Gene: POLR2A (RNA polymerase II subunit A; plus strand). Cytogenetic location: 17p13.1.
Variant type: single nucleotide variant.
Coding change: c.1984C>T on transcript NM_000937.5 (MANE Select); coding-DNA position 1984, C replaced by T.
Protein change: p.His662Tyr; replaces histidine 662 with tyrosine.
Molecular consequence: missense variant.
Genome position (GRCh38, 1-based): chr17:7,501,042, C>T. VCF-style: chr17-7501042-C-T. GRCh37 (hg19) VCF-style: chr17-7404361-C-T.
Other names: short protein forms H662Y.
Identifiers: ClinVar variation 1810523 (VCV001810523.2), dbSNP rs1217783122, ClinGen allele CA397884015.